The following is an entry in ClinVar:

NM_052867.4(NALCN):c.2193-5762G>A

Gene: NALCN (sodium leak channel, non-selective; minus strand). Cytogenetic location: 13q33.1.
Variant type: single nucleotide variant.
Coding change: c.2193-5762G>A on transcript NM_052867.4 (MANE Select); 5762 bases into the intron before coding-DNA position 2193, G replaced by A.
Molecular consequence: intron variant. On other transcripts: synonymous variant (1).
Genome position (GRCh38, 1-based): chr13:101,116,988, C>T on the plus strand (G>A on the coding strand, the complement: NALCN is on the minus strand). VCF-style: chr13-101116988-C-T. GRCh37 (hg19) VCF-style: chr13-101769339-C-T.
Other names: c.2211G>A, p.Thr737= (NM_001350748.2); c.2106-5762G>A (NM_001350751.2, NM_001350750.2); c.2193-5762G>A (NM_001350749.2).
Identifiers: ClinVar variation 4990104 (VCV004990104.1).
Genomic context (GRCh38, chr13:101,116,988, plus strand): 5'-ACTAGAGTGACAATGTGATCTTCCCAAGTAGAGACAACAGCGGATGCTAATGGGTGAGCT[C>T]GTCGGTAATGGCCTCTTGCTGAGATGAGGAAAAAGCTGCATTTTTATCCTAGTGGATACC-3'

ClinVar aggregate classification (germline): Likely benign (1 of 4 stars; one submission).

Conditions:
NALCN-related disorder. Also called: NALCN-related disorders; NALCN-related condition.

gnomAD v4.1: 19 of 514,720 alleles (0.0037%); highest among the groups gnomAD compares: Middle Eastern, 0.032%; no homozygotes.

Submission:

PreventionGenetics, part of Exact Sciences
Classification: Likely benign for NALCN-related condition. Last evaluated: 2025-05-23. Review status: criteria provided, single submitter. Criteria: ACMG Guidelines, 2015. Collection method: clinical testing. Allele origin: germline.
Comment: This variant is classified as likely benign based on ACMG/AMP sequence variant interpretation guidelines (Richards et al. 2015 PMID: 25741868, with internal and published modifications).